The following is an entry in ClinVar:

NM_001792.5(CDH2):c.886G>A (p.Asp296Asn)

Gene: CDH2 (cadherin 2; minus strand). Cytogenetic location: 18q12.1.
Variant type: single nucleotide variant.
Coding change: c.886G>A on transcript NM_001792.5 (MANE Select); coding-DNA position 886, G replaced by A.
Protein change: p.Asp296Asn; replaces aspartic acid 296 with asparagine.
Molecular consequence: missense variant.
Genome position (GRCh38, 1-based): chr18:28,003,131, C>T on the plus strand (G>A on the coding strand, the complement: CDH2 is on the minus strand). VCF-style: chr18-28003131-C-T. GRCh37 (hg19) VCF-style: chr18-25583095-C-T.
Other names: c.793G>A, p.Asp265Asn (NM_001308176.2); c.886G>A (NM_001792.4); short protein forms D265N, D296N.
Identifiers: ClinVar variation 1764942 (VCV001764942.6), dbSNP rs768554447, ClinGen allele CA8923574.

ClinVar aggregate classification (germline): Uncertain significance. Review status: criteria provided, multiple submitters, no conflicts (2 of 4 stars). 3 submissions from 3 submitters: Uncertain significance (3). Last evaluated 2026-05-22.

Conditions:
Inborn genetic diseases. Identifiers: MedGen C0950123, MeSH D030342.
CDH2-related disorder. Also called: CDH2-related condition.

Allele frequency attached by ClinVar (database versions not stated): gnomAD exomes below 0.00001; TOPMed below 0.00001; gnomAD 0.00001; ExAC 0.00002.
gnomAD v4.1: 6 of 1,613,658 alleles (0.00037%); highest among the groups gnomAD compares: African/African-American, 0.0013%; no homozygotes.

Submissions (3):

PreventionGenetics, part of Exact Sciences
Classification: Uncertain significance for CDH2-related condition. Last evaluated: 2026-05-22. Review status: criteria provided, single submitter. Criteria: ACMG Guidelines, 2015. Collection method: clinical testing. Allele origin: germline.
Comment: The CDH2 c.886G>A variant is predicted to result in the amino acid substitution p.Asp296Asn. To our knowledge, this variant has not been reported in the literature. This variant is reported in 0.0062% of alleles in individuals of African descent in gnomAD. At this time, the clinical significance of this variant is uncertain due to the absence of conclusive functional and genetic evidence.

Labcorp Genetics (formerly Invitae), Labcorp
Classification: Uncertain significance. Last evaluated: 2025-07-02. Review status: criteria provided, single submitter. Criteria: Invitae Variant Classification Sherloc (09022015). Collection method: clinical testing. Allele origin: germline.
Comment: This sequence change replaces aspartic acid, which is acidic and polar, with asparagine, which is neutral and polar, at codon 296 of the CDH2 protein (p.Asp296Asn). This variant is present in population databases (rs768554447, gnomAD 0.007%). This variant has not been reported in the literature in individuals affected with CDH2-related conditions. ClinVar contains an entry for this variant (Variation ID: 1764942). An algorithm developed to predict the effect of missense changes on protein structure and function (PolyPhen-2) suggests that this variant is likely to be disruptive. In summary, the available evidence is currently insufficient to determine the role of this variant in disease. Therefore, it has been classified as a Variant of Uncertain Significance.

Ambry Genetics
Classification: Uncertain significance for Inborn genetic diseases. Last evaluated: 2024-10-16. Review status: criteria provided, single submitter. Criteria: Ambry Variant Classification Scheme 2023. Collection method: clinical testing. Allele origin: germline.